The following is an entry in ClinVar:

NM_147127.5(EVC2):c.3288A>G (p.Gln1096=)

Gene: EVC2 (EvC ciliary complex subunit 2; minus strand). Cytogenetic location: 4p16.2.
Variant type: single nucleotide variant.
Coding change: c.3288A>G on transcript NM_147127.5 (MANE Select); coding-DNA position 3288, A replaced by G.
Protein change: p.Gln1096=; no amino-acid change (glutamine 1096 retained).
Molecular consequence: synonymous variant.
Genome position (GRCh38, 1-based): chr4:5,574,757, T>C on the plus strand (A>G on the coding strand, the complement: EVC2 is on the minus strand). VCF-style: chr4-5574757-T-C. GRCh37 (hg19) VCF-style: chr4-5576484-T-C.
Other names: c.3048A>G, p.Gln1016= (NM_001166136.2).
Identifiers: ClinVar variation 386823 (VCV000386823.13), dbSNP rs138902279, ClinGen allele CA2834371.

ClinVar aggregate classification (germline): Likely benign. Review status: criteria provided, multiple submitters, no conflicts (2 of 4 stars). 2 submissions from 2 submitters: Likely benign (2). Last evaluated 2026-01-14.

Conditions:
Ellis-van Creveld syndrome (EVC). Also called: EVC-Related Ellis-van Creveld Syndrome; EVC2-Related Ellis-van Creveld Syndrome; MESOECTODERMAL DYSPLASIA; Chondroectodermal dysplasia. Identifiers: Orphanet 289, MedGen C0013903, MONDO:0009162, OMIM 225500.
Curry-Hall syndrome (WAD). Also called: WEYERS ACRODENTAL DYSOSTOSIS. Identifiers: Orphanet 952, MedGen C0457013, MONDO:0008673, OMIM 193530.

Allele frequency attached by ClinVar (database versions not stated): gnomAD exomes 0.00004 and 0.00008; ExAC 0.00012; 1000 Genomes Project 30x 0.00016; 1000 Genomes Project 0.00020; gnomAD 0.00032 and 0.00038; TOPMed 0.00041; ESP Exome Variant Server 0.00046.
gnomAD v4.1: 102 of 1,614,230 alleles (0.0063%); highest among the groups gnomAD compares: African/African-American, 0.13%; no homozygotes.

Submissions (2):

Labcorp Genetics (formerly Invitae), Labcorp
Classification: Likely benign for Curry-Hall syndrome; Ellis-van Creveld syndrome. Last evaluated: 2026-01-14. Review status: criteria provided, single submitter. Criteria: Invitae Variant Classification Sherloc (09022015). Collection method: clinical testing. Allele origin: germline.

GeneDx
Classification: Likely benign. Last evaluated: 2016-06-09. Review status: criteria provided, single submitter. Criteria: GeneDx Variant Classification (06012015). Collection method: clinical testing. Allele origin: germline. Affected: yes.
Comment: This variant is considered likely benign or benign based on one or more of the following criteria: it is a conservative change, it occurs at a poorly conserved position in the protein, it is predicted to be benign by multiple in silico algorithms, and/or has population frequency not consistent with disease.